The following is an entry in ClinVar:

ClinVar aggregate classification (germline): Uncertain significance (1 of 4 stars; one submission).

gnomAD v4.1: 1 of 1,613,852 alleles (0.000062%); highest among the groups gnomAD compares: Admixed American, 0.0017%; no homozygotes.

Submission:

Labcorp Genetics (formerly Invitae), Labcorp
Classification: Uncertain significance. Last evaluated: 2023-10-22. Review status: criteria provided, single submitter. Criteria: Invitae Variant Classification Sherloc (09022015). Collection method: clinical testing. Allele origin: germline.
Comment: This sequence change falls in intron 27 of the SCN3A gene. It does not directly change the encoded amino acid sequence of the SCN3A protein. It affects a nucleotide within the consensus splice site. This variant is present in population databases (no rsID available, gnomAD 0.003%). This variant has not been reported in the literature in individuals affected with SCN3A-related conditions. Variants that disrupt the consensus splice site are a relatively common cause of aberrant splicing (PMID: 17576681, 9536098). Algorithms developed to predict the effect of sequence changes on RNA splicing suggest that this variant is not likely to affect RNA splicing. In summary, the available evidence is currently insufficient to determine the role of this variant in disease. Therefore, it has been classified as a Variant of Uncertain Significance.

Literature cited by the submitters: PubMed 17576681; PubMed 9536098.

NM_006922.4(SCN3A):c.4808-3T>A

Gene: SCN3A (sodium voltage-gated channel alpha subunit 3; minus strand). Cytogenetic location: 2q24.3.
Variant type: single nucleotide variant.
Coding change: c.4808-3T>A on transcript NM_006922.4 (MANE Select); 3 bases into the intron before coding-DNA position 4808, T replaced by A.
Molecular consequence: intron variant.
Genome position (GRCh38, 1-based): chr2:165,091,348, A>T on the plus strand (T>A on the coding strand, the complement: SCN3A is on the minus strand). VCF-style: chr2-165091348-A-T. GRCh37 (hg19) VCF-style: chr2-165947858-A-T.
Other names: c.4661-3T>A (NM_001081676.2, NM_001081677.2).
Identifiers: ClinVar variation 2962160 (VCV002962160.3), dbSNP rs1387876951, ClinGen allele CA537119206.